The following is an entry in ClinVar:

ClinVar aggregate classification (germline): Uncertain significance (1 of 4 stars; one submission).

Conditions:
Neuroblastoma, susceptibility to, 3. Also called: ALK-Related Neuroblastic Tumor Susceptibility. Identifiers: Orphanet 635, MedGen C2751681, MONDO:0013083, OMIM 613014.

Submission:

Labcorp Genetics (formerly Invitae), Labcorp
Classification: Uncertain significance for Neuroblastoma, susceptibility to, 3. Last evaluated: 2025-10-07. Review status: criteria provided, single submitter. Criteria: Invitae Variant Classification Sherloc (09022015). Collection method: clinical testing. Allele origin: germline.
Comment: This sequence change replaces glycine, which is neutral and non-polar, with arginine, which is basic and polar, at codon 1619 of the ALK protein (p.Gly1619Arg). This variant is not present in population databases (gnomAD no frequency). This variant has not been reported in the literature in individuals affected with ALK-related conditions. An algorithm developed to predict the effect of missense changes on protein structure and function (PolyPhen-2) suggests that this variant is likely to be disruptive. In summary, the available evidence is currently insufficient to determine the role of this variant in disease. Therefore, it has been classified as a Variant of Uncertain Significance.

NM_004304.5(ALK):c.4855G>C (p.Gly1619Arg)

Gene: ALK (ALK receptor tyrosine kinase; minus strand). Cytogenetic location: 2p23.2.
Variant type: single nucleotide variant.
Coding change: c.4855G>C on transcript NM_004304.5 (MANE Select); coding-DNA position 4855, G replaced by C.
Protein change: p.Gly1619Arg; replaces glycine 1619 with arginine.
Molecular consequence: missense variant.
Genome position (GRCh38, 1-based): chr2:29,193,232, C>G on the plus strand (G>C on the coding strand, the complement: ALK is on the minus strand). VCF-style: chr2-29193232-C-G. GRCh37 (hg19) VCF-style: chr2-29416098-C-G.
Other names: c.1651G>C, p.Gly551Arg (NM_001353765.2); short protein forms G1619R, G551R.
Identifiers: ClinVar variation 4728596 (VCV004728596.1).